The following is an entry in ClinVar:

ClinVar aggregate classification (germline): Uncertain significance (1 of 4 stars; one submission).

Conditions:
BAP1-related tumor predisposition syndrome (TPDS1). Also called: COMMON Syndrome; BAP1 tumor predisposition syndrome; Tumor susceptibility linked to germline BAP1 mutations; TUMOR PREDISPOSITION SYNDROME 1. Identifiers: Orphanet 289539, MedGen C3280492, MONDO:0013692, OMIM 614327.

Submission:

Labcorp Genetics (formerly Invitae), Labcorp
Classification: Uncertain significance for BAP1-related tumor predisposition syndrome. Last evaluated: 2025-09-10. Review status: criteria provided, single submitter. Criteria: Invitae Variant Classification Sherloc (09022015). Collection method: clinical testing. Allele origin: germline.
Comment: This sequence change replaces aspartic acid, which is acidic and polar, with glycine, which is neutral and non-polar, at codon 75 of the BAP1 protein (p.Asp75Gly). This variant is not present in population databases (gnomAD no frequency). This variant has not been reported in the literature in individuals affected with BAP1-related conditions. Invitae Evidence Modeling of protein sequence and biophysical properties (such as structural, functional, and spatial information, amino acid conservation, physicochemical variation, residue mobility, and thermodynamic stability) indicates that this missense variant is not expected to disrupt BAP1 protein function with a negative predictive value of 80%. Algorithms developed to predict the effect of sequence changes on RNA splicing suggest that this variant may disrupt the consensus splice site. In summary, the available evidence is currently insufficient to determine the role of this variant in disease. Therefore, it has been classified as a Variant of Uncertain Significance.

NM_004656.4(BAP1):c.224A>G (p.Asp75Gly)

Gene: BAP1 (BRCA1 associated deubiquitinase 1; minus strand). Cytogenetic location: 3p21.1.
Variant type: single nucleotide variant.
Coding change: c.224A>G on transcript NM_004656.4 (MANE Select); coding-DNA position 224, A replaced by G.
Protein change: p.Asp75Gly; replaces aspartic acid 75 with glycine.
Molecular consequence: missense variant.
Genome position (GRCh38, 1-based): chr3:52,408,505, T>C on the plus strand (A>G on the coding strand, the complement: BAP1 is on the minus strand). VCF-style: chr3-52408505-T-C. GRCh37 (hg19) VCF-style: chr3-52442521-T-C.
Other names: c.224A>G, p.Asp75Gly (NM_001410772.1); short protein forms D75G.
Identifiers: ClinVar variation 4810276 (VCV004810276.1).